The following is an entry in ClinVar:

NM_015272.5(RPGRIP1L):c.530-1G>A

Gene: RPGRIP1L (RPGRIP1 like; minus strand). Cytogenetic location: 16q12.2.
Variant type: single nucleotide variant.
Coding change: c.530-1G>A on transcript NM_015272.5 (MANE Select); the canonical splice acceptor site of the intron before coding-DNA position 530, G replaced by A.
Molecular consequence: splice acceptor variant.
Genome position (GRCh38, 1-based): chr16:53,687,966, C>T on the plus strand (G>A on the coding strand, the complement: RPGRIP1L is on the minus strand). VCF-style: chr16-53687966-C-T. GRCh37 (hg19) VCF-style: chr16-53721878-C-T.
Other names: c.530-1G>A (NM_001127897.4, NM_001330538.2, NM_001308334.3).
Identifiers: ClinVar variation 3345472 (VCV003345472.1).

ClinVar aggregate classification (germline): Likely pathogenic (0 of 4 stars; one submission).

Conditions:
RPGRIP1L-related disorder. Also called: RPGRIP1L-related condition; RPGRIP1L-related disorders. Identifiers: MedGen CN239416.

Submission:

PreventionGenetics, part of Exact Sciences
Classification: Likely pathogenic for RPGRIP1L-related condition. Last evaluated: 2023-11-27. Review status: no assertion criteria provided. Collection method: clinical testing. Allele origin: germline.
Comment: The RPGRIP1L c.530-1G>A variant is predicted to disrupt the AG splice acceptor site and interfere with normal splicing. To our knowledge, this variant has not been reported in the literature or in a large population database, indicating this variant is rare. Variants that disrupt the consensus splice acceptor site in RPGRIP1L are expected to be pathogenic. This variant is interpreted as likely pathogenic.